The following is an entry in ClinVar:

NM_024312.5(GNPTAB):c.1986G>A (p.Ala662=)

Gene: GNPTAB (N-acetylglucosamine-1-phosphate transferase subunits alpha and beta; minus strand). Cytogenetic location: 12q23.2.
Variant type: single nucleotide variant.
Coding change: c.1986G>A on transcript NM_024312.5 (MANE Select); coding-DNA position 1986, G replaced by A.
Protein change: p.Ala662=; no amino-acid change (alanine 662 retained).
Molecular consequence: synonymous variant.
Genome position (GRCh38, 1-based): chr12:101,764,931, C>T on the plus strand (G>A on the coding strand, the complement: GNPTAB is on the minus strand). VCF-style: chr12-101764931-C-T. GRCh37 (hg19) VCF-style: chr12-102158709-C-T.
Identifiers: ClinVar variation 496455 (VCV000496455.14), dbSNP rs112000802, ClinGen allele CA6746495.

ClinVar aggregate classification (germline): Benign/Likely benign. Review status: criteria provided, multiple submitters, no conflicts (2 of 4 stars). 4 submissions from 4 submitters: Benign (1); Likely benign (2). 1 of the submissions does not count toward it. Last evaluated 2026-02-04.

Conditions:
GNPTAB-Related Disorders. Also called: GNPTAB-related disorder; GNPTAB-related condition. Identifiers: MedGen CN381523.
Mucolipidosis type II. Also called: ML II ALPHA/BETA; Mucolipidosis 2; ML 2; Inclusion cell disease; Leroy Disease; N-acetylglucosamine 1phosphotransferase deficiency. Identifiers: Orphanet 576, MedGen C2673377, MONDO:0009650, OMIM 252500.
Pseudo-Hurler polydystrophy. Also called: Mucolipidosis III Alpha/Beta; ML III; ML III ALPHA/BETA; MUCOLIPIDOSIS IIIA; Type III Mucolipidosis; ML IIIA. Identifiers: Orphanet 423461, Orphanet 577, MedGen C0033788, MONDO:0018931, OMIM 252600.

Allele frequency attached by ClinVar (database versions not stated): gnomAD exomes 0.00007 and 0.00016; ExAC 0.00019; 1000 Genomes Project 0.00020; 1000 Genomes Project 30x 0.00047; gnomAD 0.00068 and 0.00074; TOPMed 0.00070; ESP Exome Variant Server 0.00092.
gnomAD v4.1: 226 of 1,614,134 alleles (0.014%); highest among the groups gnomAD compares: African/African-American, 0.23%; no homozygotes.

Submissions (4):

Labcorp Genetics (formerly Invitae), Labcorp
Classification: Benign for Pseudo-Hurler polydystrophy; Mucolipidosis type II. Last evaluated: 2026-02-04. Review status: criteria provided, single submitter. Criteria: Invitae Variant Classification Sherloc (09022015). Collection method: clinical testing. Allele origin: germline.

PreventionGenetics, part of Exact Sciences
Classification: Likely benign for GNPTAB-related condition. Last evaluated: 2025-07-14. Review status: criteria provided, single submitter. Criteria: ACMG Guidelines, 2015. Collection method: clinical testing. Allele origin: germline.
Comment: This variant is classified as likely benign based on ACMG/AMP sequence variant interpretation guidelines (Richards et al. 2015 PMID: 25741868, with internal and published modifications).

Women's Health and Genetics/Laboratory Corporation of America, LabCorp
Classification: Likely benign. Last evaluated: 2019-08-28. Review status: criteria provided, single submitter. Criteria: LabCorp Variant Classification Summary - May 2015. Collection method: clinical testing. Allele origin: germline.

Natera, Inc.
Classification: Uncertain significance for Mucolipidosis type II. Last evaluated: 2020-04-17. Review status: no assertion criteria provided. Collection method: clinical testing. Allele origin: germline. Not counted in ClinVar's aggregate classification.